The following is an entry in ClinVar:

ClinVar aggregate classification (germline): Benign. Review status: criteria provided, multiple submitters, no conflicts (2 of 4 stars). 4 submissions from 4 submitters: Benign (4). Last evaluated 2026-02-01.

Conditions:
Polydactyly of a triphalangeal thumb. Also called: Polydactyly, preaxial type II; POLYDACTYLY OF TRIPHALANGEAL THUMB; TRIPHALANGEAL THUMB-POLYDACTYLY SYNDROME. Identifiers: Orphanet 2439, Orphanet 2950, Orphanet 93336, MedGen C1868114, MONDO:0008270, OMIM 174500.

Allele frequency attached by ClinVar (database versions not stated): gnomAD exomes 0.05938 and 0.07169; ESP Exome Variant Server 0.06735; ExAC 0.07342; gnomAD 0.07428 and 0.07509; TOPMed 0.07931; 1000 Genomes Project 30x 0.08932; 1000 Genomes Project 0.08966.
gnomAD v4.1: 95,917 of 1,578,496 alleles (6.1%); highest among the groups gnomAD compares: East Asian, 14%; 3,358 homozygotes.

Submissions (4):

Labcorp Genetics (formerly Invitae), Labcorp
Classification: Benign. Last evaluated: 2026-02-01. Review status: criteria provided, single submitter. Criteria: Invitae Variant Classification Sherloc (09022015). Collection method: clinical testing. Allele origin: germline.

GeneDx
Classification: Benign. Last evaluated: 2018-07-09. Review status: criteria provided, single submitter. Criteria: GeneDx Variant Classification Process June 2021. Collection method: clinical testing. Allele origin: germline. Affected: yes.

Illumina Laboratory Services, Illumina
Classification: Benign for Polydactyly of a triphalangeal thumb. Last evaluated: 2018-01-13. Review status: criteria provided, single submitter. Criteria: ICSL Variant Classification Criteria 13 December 2019. Collection method: clinical testing. Allele origin: germline.
Comment: This variant was observed in the ICSL laboratory as part of a predisposition screen in an ostensibly healthy population. It had not been previously curated by ICSL or reported in the Human Gene Mutation Database (HGMD: prior to June 1st, 2018), and was therefore a candidate for classification through an automated scoring system. Utilizing variant allele frequency, disease prevalence and penetrance estimates, and inheritance mode, an automated score was calculated to assess if this variant is too frequent to cause the disease. Based on the score and internal cut-off values, a variant classified as benign is not then subjected to further curation. The score for this variant resulted in a classification of benign for this disease.

Breakthrough Genomics
Classification: Benign. Review status: criteria provided, single submitter. Criteria: ACMG Guidelines, 2015. Collection method: not provided. Allele origin: germline. Inheritance: Autosomal recessive inheritance. Affected: yes.

NM_022458.4(LMBR1):c.682A>G (p.Thr228Ala)

Gene: LMBR1 (limb development membrane protein 1; minus strand). Cytogenetic location: 7q36.3.
Variant type: single nucleotide variant.
Coding change: c.682A>G on transcript NM_022458.4 (MANE Select); coding-DNA position 682, A replaced by G.
Protein change: p.Thr228Ala; replaces threonine 228 with alanine.
Molecular consequence: missense variant. On other transcripts: non-coding transcript variant (2).
Genome position (GRCh38, 1-based): chr7:156,762,136, T>C on the plus strand (A>G on the coding strand, the complement: LMBR1 is on the minus strand). VCF-style: chr7-156762136-T-C. GRCh37 (hg19) VCF-style: chr7-156554830-T-C.
Other names: c.682A>G, p.Thr228Ala (NM_001350953.2, NM_001363409.2, NM_001363410.2); c.403A>G, p.Thr135Ala (NM_001350954.2); c.226A>G, p.Thr76Ala (NM_001350955.2, NM_001350956.2, NM_001350958.2 and 1 more transcripts); c.313A>G, p.Thr105Ala (NM_001350957.2, NM_001363411.2); c.619A>G, p.Thr207Ala (NM_001363412.2); short protein forms T228A, T207A, T135A, T76A, T105A.
Identifiers: ClinVar variation 359427 (VCV000359427.15), dbSNP rs6957768, ClinGen allele CA4588036.